The following is an entry in ClinVar:

NM_001032283.3(TMPO):c.365A>T (p.Asp122Val)

Gene: TMPO (thymopoietin; plus strand). Cytogenetic location: 12q23.1.
Variant type: single nucleotide variant.
Coding change: c.365A>T on transcript NM_001032283.3 (MANE Select); coding-DNA position 365, A replaced by T.
Protein change: p.Asp122Val; replaces aspartic acid 122 with valine.
Molecular consequence: missense variant.
Genome position (GRCh38, 1-based): chr12:98,527,971, A>T. VCF-style: chr12-98527971-A-T. GRCh37 (hg19) VCF-style: chr12-98921749-A-T.
Other names: c.365A>T, p.Asp122Val (NM_001032284.3, NM_001307975.2, NM_003276.2); short protein forms D122V.
Identifiers: ClinVar variation 1377828 (VCV001377828.7), dbSNP rs904567500, ClinGen allele CA242221316.

ClinVar aggregate classification (germline): Uncertain significance. Review status: criteria provided, multiple submitters, no conflicts (2 of 4 stars). 2 submissions from 2 submitters: Uncertain significance (2). Last evaluated 2025-07-22.

Conditions:
Loeys-Dietz syndrome 2 (LDS2). Also called: AORTIC ANEURYSM, FAMILIAL THORACIC 3; MARFAN SYNDROME, TYPE II; TGFBR2-Related Loeys-Dietz Syndrome; Marfan Syndrome type 2; Marfan like connective tissue disorder; MFS 2. Identifiers: Orphanet 284973, Orphanet 558, MedGen C2674574, MONDO:0012427, OMIM 610168.

gnomAD v4.1: 1 of 1,613,984 alleles (0.000062%); highest among the groups gnomAD compares: Admixed American, 0.0017%; no homozygotes.

Submissions (2):

Labcorp Genetics (formerly Invitae), Labcorp
Classification: Uncertain significance for Loeys-Dietz syndrome 2. Last evaluated: 2025-07-22. Review status: criteria provided, single submitter. Criteria: Invitae Variant Classification Sherloc (09022015). Collection method: clinical testing. Allele origin: germline.
Comment: This sequence change replaces aspartic acid, which is acidic and polar, with valine, which is neutral and non-polar, at codon 122 of the TMPO protein (p.Asp122Val). This variant is not present in population databases (gnomAD no frequency). This variant has not been reported in the literature in individuals affected with TMPO-related conditions. ClinVar contains an entry for this variant (Variation ID: 1377828). An algorithm developed to predict the effect of missense changes on protein structure and function (PolyPhen-2) suggests that this variant is likely to be tolerated. In summary, the available evidence is currently insufficient to determine the role of this variant in disease. Therefore, it has been classified as a Variant of Uncertain Significance.

Ambry Genetics
Classification: Uncertain significance. Last evaluated: 2024-03-15. Review status: criteria provided, single submitter. Criteria: Ambry Variant Classification Scheme 2023. Collection method: clinical testing. Allele origin: germline.
Comment: The p.D122V variant (also known as c.365A>T), located in coding exon 2 of the TMPO gene, results from an A to T substitution at nucleotide position 365. The aspartic acid at codon 122 is replaced by valine, an amino acid with highly dissimilar properties. This amino acid position is conserved. In addition, this alteration is predicted to be tolerated by in silico analysis. Based on the available evidence, the clinical significance of this alteration remains unclear.